The following is an entry in ClinVar:

NM_004036.5(ADCY3):c.675+9T>C

Gene: ADCY3 (adenylate cyclase 3; minus strand). Cytogenetic location: 2p23.3.
Variant type: single nucleotide variant.
Coding change: c.675+9T>C on transcript NM_004036.5 (MANE Select); 9 bases into the intron after coding-DNA position 675, T replaced by C.
Molecular consequence: intron variant.
Genome position (GRCh38, 1-based): chr2:24,918,304, A>G on the plus strand (T>C on the coding strand, the complement: ADCY3 is on the minus strand). VCF-style: chr2-24918304-A-G. GRCh37 (hg19) VCF-style: chr2-25141173-A-G.
Other names: c.675+9T>C (NM_001377130.1, NM_001377129.1, NM_001320613.2 and 2 more transcripts).
Identifiers: ClinVar variation 3357312 (VCV003357312.1).
Genomic context (GRCh38, chr2:24,918,304, plus strand): 5'-TCCAACAGGTCCCAAGTTGGTGAGAGCTGCAGGAGAGGACGCTGTGGGGGGACAGTGGGC[A>G]GGACTCACCTCCCGCAGCAGCTGCATCCCCTTGAGCTCCTCCTGCTGCTGCTGGGCCACG-3'

ClinVar aggregate classification (germline): Likely benign (0 of 4 stars; one submission).

Conditions:
ADCY3-related disorder. Also called: ADCY3-related condition.

gnomAD v4.1: 1 of 1,546,322 alleles (0.000065%); highest among the groups gnomAD compares: African/African-American, 0.0014%; no homozygotes.

Submission:

PreventionGenetics, part of Exact Sciences
Classification: Likely benign for ADCY3-related condition. Last evaluated: 2023-08-09. Review status: no assertion criteria provided. Collection method: clinical testing. Allele origin: germline.
Comment: This variant is classified as likely benign based on ACMG/AMP sequence variant interpretation guidelines (Richards et al. 2015 PMID: 25741868, with internal and published modifications).